The following is an entry in ClinVar:

ClinVar aggregate classification (germline): Uncertain significance. Review status: criteria provided, multiple submitters, no conflicts (2 of 4 stars). 4 submissions from 4 submitters: Uncertain significance (4). Last evaluated 2025-11-19.

Conditions:
Hereditary cancer-predisposing syndrome. Also called: Tumor predisposition; Hereditary Cancer Syndrome; Neoplastic Syndromes, Hereditary; Hereditary neoplastic syndrome. Identifiers: Orphanet 140162, MedGen C0027672, MeSH D009386, MONDO:0015356.
Hereditary breast ovarian cancer syndrome. Also called: BRCA1- and BRCA2-Associated Hereditary Breast and Ovarian Cancer; Hereditary breast and ovarian cancer syndrome; Hereditary breast and ovarian cancer; Hereditary breast and ovarian cancer syndrome (HBOC); Hereditary breast and/or ovarian cancer syndrome; Breast and ovarian cancer. Identifiers: Orphanet 145, MedGen C0677776, MeSH D061325, MONDO:0003582. Disease mechanism: loss of function.

Allele frequency attached by ClinVar (database versions not stated): gnomAD exomes below 0.00001 and 0.00001; TOPMed below 0.00001; ExAC 0.00002.
gnomAD v4.1: 2 of 1,610,324 alleles (0.00012%); highest among the groups gnomAD compares: East Asian, 0.0045%; no homozygotes.

Submissions (4):

Ambry Genetics
Classification: Uncertain significance for Hereditary cancer-predisposing syndrome. Last evaluated: 2025-11-19. Review status: criteria provided, single submitter. Criteria: Ambry Variant Classification Scheme 2023. Collection method: clinical testing. Allele origin: germline.
Comment: The p.V2325L variant (also known as c.6973G>C), located in coding exon 12 of the BRCA2 gene, results from a G to C substitution at nucleotide position 6973. The valine at codon 2325 is replaced by leucine, an amino acid with highly similar properties. This amino acid position is not well conserved in available vertebrate species. In addition, this alteration is predicted to be tolerated by in silico analysis. Based on the available evidence, the clinical significance of this variant remains unclear.

Labcorp Genetics (formerly Invitae), Labcorp
Classification: Uncertain significance for Hereditary breast ovarian cancer syndrome. Last evaluated: 2022-01-12. Review status: criteria provided, single submitter. Criteria: Invitae Variant Classification Sherloc (09022015). Collection method: clinical testing. Allele origin: germline.
Comment: This sequence change replaces valine, which is neutral and non-polar, with leucine, which is neutral and non-polar, at codon 2325 of the BRCA2 protein (p.Val2325Leu). In summary, the available evidence is currently insufficient to determine the role of this variant in disease. Therefore, it has been classified as a Variant of Uncertain Significance. Advanced modeling of protein sequence and biophysical properties (such as structural, functional, and spatial information, amino acid conservation, physicochemical variation, residue mobility, and thermodynamic stability) performed at Invitae indicates that this missense variant is not expected to disrupt BRCA2 protein function. ClinVar contains an entry for this variant (Variation ID: 627709). This variant has not been reported in the literature in individuals affected with BRCA2-related conditions. This variant is present in population databases (rs757647065, gnomAD 0.01%).

Women's Health and Genetics/Laboratory Corporation of America, LabCorp
Classification: Uncertain significance. Last evaluated: 2019-08-09. Review status: criteria provided, single submitter. Criteria: LabCorp Variant Classification Summary - May 2015. Collection method: clinical testing. Allele origin: germline.
Comment: Variant summary: BRCA2 c.6973G>C (p.Val2325Leu) results in a conservative amino acid change in the encoded protein sequence. Five of five in-silico tools predict a benign effect of the variant on protein function. The variant allele was found at a frequency of 8e-06 in 250252 control chromosomes (gnomAD). The available data on variant occurrences in the general population are insufficient to allow any conclusion about variant significance. To our knowledge, no occurrence of c.6973G>C in individuals affected with Hereditary Breast and Ovarian Cancer and no experimental evidence demonstrating its impact on protein function have been reported. One clinical diagnostic laboratory has submitted clinical-significance assessments for this variant to ClinVar after 2014 without evidence for independent evaluation, and classified the variant as uncertain significance. Based on the evidence outlined above, the variant was classified as uncertain significance.

Color Diagnostics, LLC DBA Color Health
Classification: Uncertain significance for Hereditary cancer-predisposing syndrome. Last evaluated: 2019-05-31. Review status: criteria provided, single submitter. Criteria: ACMG Guidelines, 2015. Collection method: clinical testing. Allele origin: germline.

NM_000059.4(BRCA2):c.6973G>C (p.Val2325Leu)

Gene: BRCA2 (BRCA2 DNA repair associated; plus strand). Cytogenetic location: 13q13.1.
Variant type: single nucleotide variant.
Coding change: c.6973G>C on transcript NM_000059.4 (MANE Select); coding-DNA position 6973, G replaced by C.
Protein change: p.Val2325Leu; replaces valine 2325 with leucine.
Molecular consequence: missense variant.
Genome position (GRCh38, 1-based): chr13:32,346,862, G>C. VCF-style: chr13-32346862-G-C. GRCh37 (hg19) VCF-style: chr13-32920999-G-C.
Other names: short protein forms V2325L.
Identifiers: ClinVar variation 627709 (VCV000627709.14), dbSNP rs757647065, ClinGen allele CA6941035.